The following is an entry in ClinVar:

ClinVar aggregate classification (germline): Uncertain significance (1 of 4 stars; one submission).

Conditions:
Familial thoracic aortic aneurysm and aortic dissection (TAAD). Also called: Thoracic aortic aneurysms and dissections. Identifiers: Orphanet 91387, MedGen C4707243, MONDO:0019625.

gnomAD v4.1: 13 of 1,613,952 alleles (0.00081%); highest among the groups gnomAD compares: Non-Finnish European, 0.0011%; no homozygotes.

Submission:

Ambry Genetics
Classification: Uncertain significance for Familial thoracic aortic aneurysm and aortic dissection. Last evaluated: 2025-02-20. Review status: criteria provided, single submitter. Criteria: Ambry Variant Classification Scheme 2023. Collection method: clinical testing. Allele origin: germline.
Comment: The p.E676K variant (also known as c.2026G>A), located in coding exon 18 of the PLOD1 gene, results from a G to A substitution at nucleotide position 2026. The glutamic acid at codon 676 is replaced by lysine, an amino acid with similar properties. This amino acid position is conserved. In addition, the in silico prediction for this alteration is inconclusive. Based on the available evidence, the clinical significance of this variant remains unclear.

NM_000302.4(PLOD1):c.2026G>A (p.Glu676Lys)

Gene: PLOD1 (procollagen-lysine,2-oxoglutarate 5-dioxygenase 1; plus strand). Cytogenetic location: 1p36.22.
Variant type: single nucleotide variant.
Coding change: c.2026G>A on transcript NM_000302.4 (MANE Select); coding-DNA position 2026, G replaced by A.
Protein change: p.Glu676Lys; replaces glutamic acid 676 with lysine.
Molecular consequence: missense variant.
Genome position (GRCh38, 1-based): chr1:11,972,995, G>A. VCF-style: chr1-11972995-G-A. GRCh37 (hg19) VCF-style: chr1-12033052-G-A.
Other names: c.2167G>A, p.Glu723Lys (NM_001316320.2); short protein forms E676K, E723K.
Identifiers: ClinVar variation 2313602 (VCV002313602.3), dbSNP rs2522881871, ClinGen allele CA338452520.